The following is an entry in ClinVar:

NM_000718.4(CACNA1B):c.5726G>A (p.Arg1909Gln)

Gene: CACNA1B (calcium voltage-gated channel subunit alpha1 B; plus strand). Cytogenetic location: 9q34.3.
Variant type: single nucleotide variant.
Coding change: c.5726G>A on transcript NM_000718.4 (MANE Select); coding-DNA position 5726, G replaced by A.
Protein change: p.Arg1909Gln; replaces arginine 1909 with glutamine.
Molecular consequence: missense variant.
Genome position (GRCh38, 1-based): chr9:138,115,628, G>A. VCF-style: chr9-138115628-G-A. GRCh37 (hg19) VCF-style: chr9-141010080-G-A.
Other names: c.5726G>A, p.Arg1909Gln (NM_001243812.2); c.5726G>A (NM_000718.3); short protein forms R1909Q.
Identifiers: ClinVar variation 1976100 (VCV001976100.4), dbSNP rs200511648, ClinGen allele CA5377466.

ClinVar aggregate classification (germline): Uncertain significance. Review status: criteria provided, multiple submitters, no conflicts (2 of 4 stars). 2 submissions from 2 submitters: Uncertain significance (2). Last evaluated 2025-03-05.

Allele frequency attached by ClinVar (database versions not stated): ExAC 0.00001; gnomAD 0.00001; gnomAD exomes 0.00001; TOPMed 0.00001.
gnomAD v4.1: 10 of 1,613,686 alleles (0.00062%); highest among the groups gnomAD compares: Admixed American, 0.0033%; no homozygotes.

Submissions (2):

Ambry Genetics
Classification: Uncertain significance. Last evaluated: 2025-03-05. Review status: criteria provided, single submitter. Criteria: Ambry Variant Classification Scheme 2023. Collection method: clinical testing. Allele origin: germline.

Labcorp Genetics (formerly Invitae), Labcorp
Classification: Uncertain significance. Last evaluated: 2022-08-01. Review status: criteria provided, single submitter. Criteria: Invitae Variant Classification Sherloc (09022015). Collection method: clinical testing. Allele origin: germline.
Comment: Advanced modeling of protein sequence and biophysical properties (such as structural, functional, and spatial information, amino acid conservation, physicochemical variation, residue mobility, and thermodynamic stability) performed at Invitae indicates that this missense variant is not expected to disrupt CACNA1B protein function. This variant has not been reported in the literature in individuals affected with CACNA1B-related conditions. This variant is present in population databases (rs200511648, gnomAD 0.007%). This sequence change replaces arginine, which is basic and polar, with glutamine, which is neutral and polar, at codon 1909 of the CACNA1B protein (p.Arg1909Gln). In summary, the available evidence is currently insufficient to determine the role of this variant in disease. Therefore, it has been classified as a Variant of Uncertain Significance.